The following is an entry in ClinVar:

ClinVar aggregate classification (germline): Uncertain significance (1 of 4 stars; one submission).

gnomAD v4.1: 108 of 1,579,722 alleles (0.0068%); highest among the groups gnomAD compares: Non-Finnish European, 0.009%; no homozygotes.

Submission:

Labcorp Genetics (formerly Invitae), Labcorp
Classification: Uncertain significance. Last evaluated: 2025-12-22. Review status: criteria provided, single submitter. Criteria: Invitae Variant Classification Sherloc (09022015). Collection method: clinical testing. Allele origin: germline.
Comment: This sequence change replaces proline, which is neutral and non-polar, with glutamine, which is neutral and polar, at codon 1394 of the ADGRB2 protein (p.Pro1394Gln). This variant is present in population databases (rs146789434, gnomAD 0.005%). This variant has not been reported in the literature in individuals affected with ADGRB2-related conditions. Experimental studies and prediction algorithms are not available or were not evaluated, and the functional significance of this variant is currently unknown. In summary, the available evidence is currently insufficient to determine the role of this variant in disease. Therefore, it has been classified as a Variant of Uncertain Significance.

NM_001364857.2(ADGRB2):c.4280C>A (p.Pro1427Gln)

Gene: ADGRB2 (adhesion G protein-coupled receptor B2; minus strand). Cytogenetic location: 1p35.2.
Variant type: single nucleotide variant.
Coding change: c.4280C>A on transcript NM_001364857.2 (MANE Select); coding-DNA position 4280, C replaced by A.
Protein change: p.Pro1427Gln; replaces proline 1427 with glutamine.
Molecular consequence: missense variant.
Genome position (GRCh38, 1-based): chr1:31,730,900, G>T on the plus strand (C>A on the coding strand, the complement: ADGRB2 is on the minus strand). VCF-style: chr1-31730900-G-T. GRCh37 (hg19) VCF-style: chr1-32196501-G-T.
Other names: c.4280C>A, p.Pro1427Gln (NM_001294335.2); c.4181C>A, p.Pro1394Gln (NM_001294336.2); short protein forms P1394Q, P1427Q.
Identifiers: ClinVar variation 4799195 (VCV004799195.1).